The following is an entry in ClinVar:

ClinVar aggregate classification (germline): Conflicting classifications of pathogenicity. Review status: criteria provided, conflicting classifications (1 of 4 stars). 7 submissions from 7 submitters: Uncertain significance (5); Likely benign (1). 1 of the submissions does not count toward it. Last evaluated 2026-01-15.

Conditions:
Sitosterolemia 1. Identifiers: MedGen C2749759, MONDO:0020747, OMIM 210250.
ABCG8-related disorder. Also called: ABCG8-related condition.

Allele frequency attached by ClinVar (database versions not stated): ESP Exome Variant Server 0.00008; TOPMed 0.00010; gnomAD 0.00026.
gnomAD v4.1: 120 of 1,613,910 alleles (0.0074%); highest among the groups gnomAD compares: Admixed American, 0.12%; no homozygotes.

Submissions (7):

Labcorp Genetics (formerly Invitae), Labcorp
Classification: Likely benign. Last evaluated: 2026-01-15. Review status: criteria provided, single submitter. Criteria: Invitae Variant Classification Sherloc (09022015). Collection method: clinical testing. Allele origin: germline.

Mayo Clinic Laboratories, Mayo Clinic
Classification: Uncertain significance. Last evaluated: 2025-02-17. Review status: criteria provided, single submitter. Criteria: ACMG Guidelines, 2015. Collection method: clinical testing. Allele origin: germline. Observed: 1 variant allele.

Blueprint Genetics
Classification: Uncertain significance. Last evaluated: 2024-11-23. Review status: criteria provided, single submitter. Criteria: ACMG Guidelines, 2015. Collection method: clinical testing. Allele origin: germline.

GeneDx
Classification: Uncertain significance. Last evaluated: 2024-09-13. Review status: criteria provided, single submitter. Criteria: GeneDx Variant Classification Process June 2021. Collection method: clinical testing. Allele origin: germline. Affected: yes.
Comment: In silico analysis supports that this missense variant has a deleterious effect on protein structure/function; This variant is associated with the following publications: (PMID: 32041611, 30241732)

Women's Health and Genetics/Laboratory Corporation of America, LabCorp
Classification: Uncertain significance. Last evaluated: 2024-08-05. Review status: criteria provided, single submitter. Criteria: LabCorp Variant Classification Summary - May 2015. Collection method: clinical testing. Allele origin: germline.
Comment: Variant summary: ABCG8 c.1226A>G (p.Asn409Ser) results in a conservative amino acid change located in the ABC-2 type transporter, transmembrane domain (IPR013525) of the encoded protein sequence. Three of five in-silico tools predict a damaging effect of the variant on protein function. The variant allele was found at a frequency of 0.00031 in 251438 control chromosomes. This frequency is not significantly higher than estimated for a pathogenic variant in ABCG8 causing Early Onset Coronary Artery Disease (0.00031 vs 0.005), allowing no conclusion about variant significance. c.1226A>G has been reported in the literature in individuals affected with Hypercholesterolaemia (Tada_2018) and Sitosterolemia (Dron_2020). These report(s) do not provide unequivocal conclusions about association of the variant with Early Onset Coronary Artery Disease. To our knowledge, no experimental evidence demonstrating an impact on protein function has been reported. The following publications have been ascertained in the context of this evaluation (PMID: 32041611, 30241732). ClinVar contains an entry for this variant (Variation ID: 713037). Based on the evidence outlined above, the variant was classified as uncertain significance.

Revvity Omics, Revvity
Classification: Uncertain significance for Sitosterolemia 1. Last evaluated: 2024-04-29. Review status: criteria provided, single submitter. Criteria: ACMG Guidelines, 2015. Collection method: clinical testing. Allele origin: germline.

PreventionGenetics, part of Exact Sciences
Classification: Uncertain significance for ABCG8-related condition. Last evaluated: 2024-06-11. Review status: no assertion criteria provided. Collection method: clinical testing. Allele origin: germline. Not counted in ClinVar's aggregate classification.
Comment: The ABCG8 c.1226A>G variant is predicted to result in the amino acid substitution p.Asn409Ser. This variant was reported with uncertain significance in a study of individuals with familial hypercholesterolemia (Supplementary Table 4, Reeskamp et al. 2020. PubMed ID: 32088153) and was reported in a study of individuals with dyslipidemias (Supplemental Tables 3 and 4, Dron et al. 2020. PubMed ID: 32041611). It was also reported in an individual with elevated LDL cholesterol levels (Supplemental Table 5, Tada et al. 2018. PubMed ID: 30241732). This variant is reported in 0.20% of alleles in individuals of Latino descent in gnomAD. Although we suspect that this variant may be benign, at this time, the clinical significance of this variant is uncertain due to the absence of conclusive functional and genetic evidence.

Literature cited by the submitters: PubMed 30241732 (cited by Mayo Clinic Laboratories, Mayo Clinic and Women's Health and Genetics/Laboratory Corporation of America, LabCorp); PubMed 31901240 (cited by Mayo Clinic Laboratories, Mayo Clinic); PubMed 32041611 (cited by Mayo Clinic Laboratories, Mayo Clinic and Women's Health and Genetics/Laboratory Corporation of America, LabCorp); PubMed 32088153 (cited by Mayo Clinic Laboratories, Mayo Clinic).

NM_022437.3(ABCG8):c.1226A>G (p.Asn409Ser)

Gene: ABCG8 (ATP binding cassette subfamily G member 8; plus strand). Cytogenetic location: 2p21.
Variant type: single nucleotide variant.
Coding change: c.1226A>G on transcript NM_022437.3 (MANE Select); coding-DNA position 1226, A replaced by G.
Protein change: p.Asn409Ser; replaces asparagine 409 with serine.
Molecular consequence: missense variant.
Genome position (GRCh38, 1-based): chr2:43,873,801, A>G. VCF-style: chr2-43873801-A-G. GRCh37 (hg19) VCF-style: chr2-44100940-A-G.
Other names: p.Asn409Ser; c.1223A>G, p.Asn408Ser (NM_001357321.2); short protein forms N409S, N408S.
Identifiers: ClinVar variation 713037 (VCV000713037.16), dbSNP rs150977210, ClinGen allele CA1637371.
Genomic context (GRCh38, chr2:43,873,801, plus strand): 5'-CTGGTGTATGCTGTTGCCTCAGCATCTCTTCCTTTTGGTTTTTAAGTCGTCAGATTTCCA[A>G]CGACTTCCGAGACCTGCCCACCCTCCTCATCCATGGGGCGGAGGCCTGTCTGATGTCAAT-3'
Protein context (NP_071882.1, residues 399-419): FTTLIRRQIS[Asn409Ser]DFRDLPTLLI